The following is an entry in ClinVar:

ClinVar aggregate classification (germline): Likely benign. Review status: criteria provided, multiple submitters, no conflicts (2 of 4 stars). 2 submissions from 2 submitters: Likely benign (2). Last evaluated 2025-06-14.

Conditions:
Hypertrophic cardiomyopathy. Also called: HYPERTROPHIC MYOCARDIOPATHY. Identifiers: Orphanet 217569, MedGen C0007194, MeSH D002312, MONDO:0005045, HP:0001639.
Cardiomyopathy (CMYO). Also called: Cardiomyopathies. Identifiers: Orphanet 167848, MedGen C0878544, MONDO:0004994, HP:0001638. Inheritance: Various modes of inheritance.

Allele frequency attached by ClinVar (database versions not stated): gnomAD exomes below 0.00001.
gnomAD v4.1: 1 of 1,614,024 alleles (0.000062%); highest among the groups gnomAD compares: Non-Finnish European, 0.000085%; no homozygotes.

Submissions (2):

Labcorp Genetics (formerly Invitae), Labcorp
Classification: Likely benign for Hypertrophic cardiomyopathy. Last evaluated: 2025-06-14. Review status: criteria provided, single submitter. Criteria: Invitae Variant Classification Sherloc (09022015). Collection method: clinical testing. Allele origin: germline.

All of Us Research Program, National Institutes of Health
Classification: Likely benign for Cardiomyopathy. Last evaluated: 2024-05-14. Review status: criteria provided, single submitter. Criteria: ACMG Guidelines, 2015. Collection method: clinical testing. Allele origin: germline. Inheritance: Autosomal dominant inheritance. Observed: 2 variant alleles, 2 heterozygotes.
Comment: This study involves interpretation of variants in research participants for the purpose of population health screening. Participant phenotype was not available at the time of variant classification. Additional details can be found in publication PMID: 35346344, PMCID: PMC8962531

NM_000257.4(MYH7):c.1962T>C (p.Asn654=)

Gene: MYH7 (myosin heavy chain 7; minus strand). Cytogenetic location: 14q11.2.
Variant type: single nucleotide variant.
Coding change: c.1962T>C on transcript NM_000257.4 (MANE Select); coding-DNA position 1962, T replaced by C.
Protein change: p.Asn654=; no amino-acid change (asparagine 654 retained).
Molecular consequence: synonymous variant.
Genome position (GRCh38, 1-based): chr14:23,426,859, A>G on the plus strand (T>C on the coding strand, the complement: MYH7 is on the minus strand). VCF-style: chr14-23426859-A-G. GRCh37 (hg19) VCF-style: chr14-23896068-A-G.
Other names: c.1962T>C, p.Asn654= (NM_001407004.1).
Identifiers: ClinVar variation 3072696 (VCV003072696.3), dbSNP rs1479771469, ClinGen allele CA485623763.
Genomic context (GRCh38, chr14:23,426,859, plus strand): 5'-GATGATACAACGTACAAAGTGGGGATGGGTGGAGCGCAAGTTGGTCATCAGCTTGTTCAG[A>G]TTTTCCTGTGGCCAAAAATGCAATAGAGAAAAGTAAAGAAAATGCCAGAAAGAGATGCAG-3'
Protein context (NP_000248.2, residues 644-664): FQTVSALHRE[Asn654=]LNKLMTNLRS